The following is an entry in ClinVar:

NM_001364905.1(LRBA):c.6330+4160G>A

Genes: LRBA (LPS responsive beige-like anchor protein; minus strand), MAB21L2 (mab-21 like 2; plus strand). Cytogenetic location: 4q31.3.
Variant type: single nucleotide variant.
Coding change: c.6330+4160G>A on transcript NM_001364905.1 (MANE Select); 4160 bases into the intron after coding-DNA position 6330, G replaced by A.
Molecular consequence: intron variant. On other transcripts: nonsense (1).
Genome position (GRCh38, 1-based): chr4:150,583,888, C>T on the plus strand (G>A on the coding strand, the complement: LRBA is on the minus strand). VCF-style: chr4-150583888-C-T. GRCh37 (hg19) VCF-style: chr4-151505040-C-T.
Other names: c.6330+4160G>A (NM_001440431.1, NM_001367550.1, NM_001199282.3); c.6363+4160G>A (NM_001440430.1, NM_006726.5); c.859C>T, p.Arg287Ter (NM_006439.5); short protein forms R287*.
Identifiers: ClinVar variation 4071629 (VCV004071629.1).

ClinVar aggregate classification (germline): Uncertain significance (1 of 4 stars; one submission).

Submission:

GeneDx
Classification: Uncertain significance. Last evaluated: 2025-01-23. Review status: criteria provided, single submitter. Criteria: GeneDx Variant Classification Process June 2021. Collection method: clinical testing. Allele origin: germline. Affected: yes.
Comment: Not observed at significant frequency in large population cohorts (gnomAD); Nonsense variant predicted to result in protein truncation as the last 73 amino acid(s) are lost; Has not been previously published as pathogenic or benign to our knowledge